The following is an entry in ClinVar:

ClinVar aggregate classification (germline): Pathogenic/Likely pathogenic. Review status: criteria provided, multiple submitters, no conflicts (2 of 4 stars). 3 submissions from 3 submitters: Pathogenic (1); Likely pathogenic (2). Last evaluated 2024-06-18.

Conditions:
Hereditary cancer-predisposing syndrome. Also called: Tumor predisposition; Hereditary neoplastic syndrome; Neoplastic Syndromes, Hereditary; Hereditary Cancer Syndrome. Identifiers: Orphanet 140162, MedGen C0027672, MeSH D009386, MONDO:0015356.
Lynch syndrome 4 (LYNCH4). Also called: Hereditary non-polyposis colorectal cancer, type 4; Colorectal cancer, hereditary nonpolyposis, type 4. Identifiers: Orphanet 144, MedGen C1838333, MONDO:0013699, OMIM 614337. Disease mechanism: loss of function.

Submissions (3):

Ambry Genetics
Classification: Likely pathogenic for Hereditary cancer-predisposing syndrome. Last evaluated: 2024-06-18. Review status: criteria provided, single submitter. Criteria: Ambry Variant Classification Scheme 2023. Collection method: clinical testing. Allele origin: germline.
Comment: The c.790_803+5del19 variant results from a deletion of 19 nucleotides between positions c.790 and c.803+5 and involves the canonical splice donor site after coding exon 7 of the PMS2 gene. This variant is considered to be rare based on population cohorts in the Genome Aggregation Database (gnomAD). The canonical splice donor site is highly conserved in available vertebrate species. In silico splice site analysis predicts that this alteration will weaken the native splice donor site; however, direct evidence is insufficient at this time (Ambry internal data). Alterations that disrupt the canonical splice site are expected to cause aberrant splicing, resulting in an abnormal protein or a transcript that is subject to nonsense-mediated mRNA decay. As such, this alteration is classified as likely pathogenic.

Myriad Genetics, Inc.
Classification: Likely pathogenic for Lynch syndrome 4. Last evaluated: 2023-09-19. Review status: criteria provided, single submitter. Criteria: Myriad Autosomal Dominant, Autosomal Recessive and X-Linked Classification Criteria (2023). Collection method: clinical testing. Allele origin: unknown.
Comment: This variant is considered likely pathogenic. This variant occurs within a consensus splice junction and is predicted to result in abnormal mRNA splicing of either an out-of-frame exon or an in-frame exon necessary for protein stability and/or normal function.

Quest Diagnostics Nichols Institute San Juan Capistrano
Classification: Pathogenic. Last evaluated: 2022-10-20. Review status: criteria provided, single submitter. Criteria: Quest Diagnostics criteria. Collection method: clinical testing. Allele origin: unknown.
Comment: This frameshift variant alters the translational reading frame of the PMS2 mRNA and causes the premature termination of PMS2 protein synthesis. The variant has not been reported in individuals with PMS2-related diseases in the published literature. It also has not been reported in large, multi-ethnic general populations. Based on the available information, this variant is classified as pathogenic.

NM_000535.7(PMS2):c.790_803+5del

Gene: PMS2 (PMS1 homolog 2, mismatch repair system component; minus strand). Cytogenetic location: 7p22.1.
Variant type: Deletion.
Coding change: c.790_803+5del on transcript NM_000535.7 (MANE Select); coding-DNA position 790 through 5 bases into the intron after coding-DNA position 803, 19 bases deleted (CATAATCTTTTTTAGTAAG).
Molecular consequence: splice donor variant. On other transcripts: intron variant (3).
Genome position (GRCh38, 1-based): chr7:5,997,321-5,997,339, CTTACTAAAAAAGATTATG deleted on the plus strand (CATAATCTTTTTTAGTAAG on the coding strand, the reverse complement: PMS2 is on the minus strand); deleting any 19 consecutive bases within chr7:5,997,321-5,997,340 gives the same sequence; the c. name uses the placement nearest the transcript's 3' end. VCF-style (leftmost placement, unchanged base first): chr7-5997320-ACTTACTAAAAAAGATTATG-A. GRCh37 (hg19) VCF-style: chr7-6036951-ACTTACTAAAAAAGATTATG-A.
Other names: c.472_485+5del (NM_001322008.2, NM_001406902.1, NM_001406883.1 and 4 more transcripts); c.481_494+5del (NM_001406881.1, NM_001406879.1, NM_001322015.2 and 6 more transcripts); c.385_398+5del (NM_001406895.1, NM_001322010.2, NM_001322004.2 and 19 more transcripts); c.132+5114_132+5132del (NM_001406911.1); c.277_290+5del (NM_001406904.1, NM_001406905.1); c.217_230+5del (NM_001322013.2, NM_001406909.1); c.-144_-131+5del (NM_001322012.2, NM_001322011.2); c.454_467+5del (NM_001406885.1); and 8 more.
Identifiers: ClinVar variation 2674202 (VCV002674202.3), dbSNP rs2536215101, ClinGen allele CA2695198424.